The following is an entry in ClinVar:

ClinVar aggregate classification (germline): Uncertain significance. Review status: criteria provided, single submitter (1 of 4 stars). 2 submissions from 2 submitters: Uncertain significance (1). 1 of the submissions does not count toward it. Last evaluated 2021-08-24.

Conditions:
Glycogen storage disease type III (GSD3). Also called: FORBES DISEASE; Cori disease. Identifiers: Orphanet 366, MedGen C0017922, MONDO:0009291, OMIM 232400.

Allele frequency attached by ClinVar (database versions not stated): ExAC 0.00001; gnomAD exomes 0.00001 and 0.00002; gnomAD 0.00002; TOPMed 0.00002; ESP Exome Variant Server 0.00008.
gnomAD v4.1: 35 of 1,613,966 alleles (0.0022%); highest among the groups gnomAD compares: Non-Finnish European, 0.0029%; no homozygotes.

Submissions (2):

Labcorp Genetics (formerly Invitae), Labcorp
Classification: Uncertain significance for Glycogen storage disease type III. Last evaluated: 2021-08-24. Review status: criteria provided, single submitter. Criteria: Invitae Variant Classification Sherloc (09022015). Collection method: clinical testing. Allele origin: germline.
Comment: This sequence change replaces arginine with glutamine at codon 1151 of the AGL protein (p.Arg1151Gln). The arginine residue is highly conserved and there is a small physicochemical difference between arginine and glutamine. This variant is present in population databases (rs376059155, ExAC 0.001%). This variant has not been reported in the literature in individuals affected with AGL-related conditions. Algorithms developed to predict the effect of missense changes on protein structure and function are either unavailable or do not agree on the potential impact of this missense change (SIFT: "Deleterious"; PolyPhen-2: "Probably Damaging"; Align-GVGD: "Class C0"). In summary, the available evidence is currently insufficient to determine the role of this variant in disease. Therefore, it has been classified as a Variant of Uncertain Significance.

Natera, Inc.
Classification: Uncertain significance for Glycogen storage disease type III. Last evaluated: 2020-09-16. Review status: no assertion criteria provided. Collection method: clinical testing. Allele origin: germline. Not counted in ClinVar's aggregate classification.

NM_000642.3(AGL):c.3452G>A (p.Arg1151Gln)

Gene: AGL (amylo-alpha-1,6-glucosidase and 4-alpha-glucanotransferase; plus strand). Cytogenetic location: 1p21.2.
Variant type: single nucleotide variant.
Coding change: c.3452G>A on transcript NM_000642.3 (MANE Select); coding-DNA position 3452, G replaced by A.
Protein change: p.Arg1151Gln; replaces arginine 1151 with glutamine.
Molecular consequence: missense variant.
Genome position (GRCh38, 1-based): chr1:99,900,725, G>A. VCF-style: chr1-99900725-G-A. GRCh37 (hg19) VCF-style: chr1-100366281-G-A.
Other names: c.3452G>A, p.Arg1151Gln (NM_000028.3, NM_000643.3, NM_000644.3 and 1 more transcripts); c.3404G>A, p.Arg1135Gln (NM_000646.3); c.3431G>A, p.Arg1144Gln (NM_001425326.1); c.3251G>A, p.Arg1084Gln (NM_001425327.1); c.3248G>A, p.Arg1083Gln (NM_001425328.1); c.3113G>A, p.Arg1038Gln (NM_001425329.1); c.3074G>A, p.Arg1025Gln (NM_001425332.1); short protein forms R1135Q, R1151Q, R1025Q, R1038Q, R1083Q, R1084Q, R1144Q.
Identifiers: ClinVar variation 854213 (VCV000854213.4), dbSNP rs376059155, ClinGen allele CA967083.